The following is an entry in ClinVar:

NM_000368.5(TSC1):c.590_594del (p.Cys197fs)

Gene: TSC1 (TSC complex subunit 1; minus strand). Cytogenetic location: 9q34.13.
Variant type: Deletion.
Coding change: c.590_594del on transcript NM_000368.5 (MANE Select); coding-DNA positions 590 to 594, 5 bases deleted (GCAAC; older notation c.590_594delGCAAC).
Protein change: p.Cys197fs; shifts the reading frame from cysteine 197.
Molecular consequence: frameshift variant.
Genome position (GRCh38, 1-based): chr9:132,921,888-132,921,892, GTTGC deleted on the plus strand (GCAAC on the coding strand, the reverse complement: TSC1 is on the minus strand). VCF-style (leftmost placement, unchanged base first): chr9-132921887-AGTTGC-A. GRCh37 (hg19) VCF-style: chr9-135797274-AGTTGC-A.
Other names: c.590_594delGCAAC (NM_000368.4, NM_000368.5); c.590_594del, p.Cys197fs (NM_001162426.2); c.437_441del, p.Cys146fs (NM_001162427.2); c.227_231del, p.Cys76fs (NM_001362177.2); short protein forms C197fs, C76fs, C146fs.
Identifiers: ClinVar variation 423010 (VCV000423010.3), dbSNP rs1064796162, ClinGen allele CA16618778.

ClinVar aggregate classification (germline): Pathogenic. Review status: criteria provided, multiple submitters, no conflicts (2 of 4 stars). 2 submissions from 2 submitters: Pathogenic (2). Last evaluated 2025-12-14.

Conditions:
Tuberous sclerosis syndrome (TSC). Also called: Tuberous sclerosis; Tuberous Sclerosis Complex. Identifiers: Orphanet 805, MedGen C0041341, MONDO:0001734.

Submissions (2):

Women's Health and Genetics/Laboratory Corporation of America, LabCorp
Classification: Pathogenic for Tuberous sclerosis syndrome. Last evaluated: 2025-12-14. Review status: criteria provided, single submitter. Criteria: LabCorp Variant Classification Summary - May 2015. Collection method: clinical testing. Allele origin: germline.
Comment: Variant summary: TSC1 c.590_594delGCAAC (p.Cys197PhefsX19) results in a premature termination codon, predicted to cause absence of the protein due to nonsense mediated decay, which is a commonly known mechanism for disease. The variant was absent in 251340 control chromosomes (gnomAD). To our knowledge, no occurrence of c.590_594delGCAAC in individuals affected with TSC1-related conditions and no experimental evidence demonstrating its impact on protein function have been reported. ClinVar contains an entry for this variant (Variation ID: 423010). Based on the evidence outlined above, the variant was classified as pathogenic.

GeneDx
Classification: Pathogenic. Last evaluated: 2017-01-06. Review status: criteria provided, single submitter. Criteria: GeneDx Variant Classification (06012015). Collection method: clinical testing. Allele origin: germline. Affected: yes.
Comment: The c.590_594delGCAAC pathogenic variant in the TSC1 gene causes a frameshift starting with codon Cysteine 197, changes this amino acid to a Phenylalanine residue and creates a premature Stop codon at position 19 of the new reading frame, denoted p.Cys197PhefsX19. This pathogenic variant is predicted to cause loss of normal protein function either through protein truncation or nonsense-mediated mRNA decay.